The following is an entry in ClinVar:

NM_007294.4(BRCA1):c.1281_1312delinsATATGT (p.Lys428fs)

Gene: BRCA1 (BRCA1 DNA repair associated; minus strand). Cytogenetic location: 17q21.31.
Variant type: Indel.
Coding change: c.1281_1312delinsATATGT on transcript NM_007294.4 (MANE Select); coding-DNA positions 1281 to 1312, the reference bases replaced by ATATGT.
Protein change: p.Lys428fs; shifts the reading frame from lysine 428.
Molecular consequence: frameshift variant. On other transcripts: intron variant (137).
Genome position (GRCh38, 1-based): chr17:43,094,219-43,094,250, 32 bases replaced. GRCh37 (hg19): chr17:41,246,236-41,246,267.
Other names: c.1068_1099delinsATATGT, p.Lys357fs (NM_001407571.1, NM_001407853.1, NM_001407894.1 and 9 more transcripts); c.1281_1312delinsATATGT, p.Lys428fs (NM_001407581.1, NM_001407582.1, NM_001407583.1 and 30 more transcripts); c.1278_1309delinsATATGT, p.Lys427fs (NM_001407587.1, NM_001407590.1, NM_001407591.1 and 22 more transcripts); c.1272_1303delinsATATGT, p.Lys425fs (NM_001407646.1, NM_001407647.1); c.1158_1189delinsATATGT, p.Lys387fs (NM_001407648.1, NM_001407664.1, NM_001407665.1 and 19 more transcripts); c.1155_1186delinsATATGT, p.Lys386fs (NM_001407649.1, NM_001407670.1, NM_001407671.1 and 11 more transcripts); c.1203_1234delinsATATGT, p.Lys402fs (NM_001407653.1, NM_001407654.1, NM_001407655.1 and 4 more transcripts); c.1200_1231delinsATATGT, p.Lys401fs (NM_001407659.1, NM_001407660.1, NM_001407661.1 and 1 more transcripts); and 41 more; short protein forms K381fs, K428fs, K316fs, K317fs, K340fs, K357fs, K300fs, K339fs.
Identifiers: ClinVar variation 1332472 (VCV001332472.3), dbSNP rs2154459525, ClinGen allele CA2573054447.
Genomic context (GRCh38, chr17:43,094,219, plus strand): 5'-CTTCAATATTACTCTCTACTGATTTGGAGTGAACTCTTTCACTTTTACATATTAAAGCCT[CATGAGGATCACTGGCCAGTAAGTCTATTTTC>ACATAT]TCTGAAGAACCAGAATATTCATCTACCTCATTTAGAACGTCCAATACATCAGCTACTTTG-3'

ClinVar aggregate classification (germline): Pathogenic (1 of 4 stars; one submission).

Conditions:
Hereditary cancer-predisposing syndrome. Also called: Tumor predisposition; Hereditary Cancer Syndrome; Neoplastic Syndromes, Hereditary; Hereditary neoplastic syndrome. Identifiers: Orphanet 140162, MedGen C0027672, MeSH D009386, MONDO:0015356.

Submission:

Color Diagnostics, LLC DBA Color Health
Classification: Pathogenic for Hereditary cancer-predisposing syndrome. Last evaluated: 2021-04-30. Review status: criteria provided, single submitter. Criteria: ACMG Guidelines, 2015. Collection method: clinical testing. Allele origin: germline.
Comment: This variant deletes 32 nucleotides in exon 10 of the BRCA1 gene, creating a frameshift and premature translation stop signal. This variant is expected to result in an absent or non-functional protein product. To our knowledge, this variant has not been reported in individuals affected with hereditary cancer in the literature. This variant has not been identified in the general population by the Genome Aggregation Database (gnomAD). Loss of BRCA1 function is a known mechanism of disease. Based on the available evidence, this variant is classified as Pathogenic.